The following is an entry in ClinVar:

NM_170606.3(KMT2C):c.2765C>G (p.Pro922Arg)

Gene: KMT2C (lysine methyltransferase 2C; minus strand). Cytogenetic location: 7q36.1.
Variant type: single nucleotide variant.
Coding change: c.2765C>G on transcript NM_170606.3 (MANE Select); coding-DNA position 2765, C replaced by G.
Protein change: p.Pro922Arg; replaces proline 922 with arginine.
Molecular consequence: missense variant.
Genome position (GRCh38, 1-based): chr7:152,235,821, G>C on the plus strand (C>G on the coding strand, the complement: KMT2C is on the minus strand). VCF-style: chr7-152235821-G-C. GRCh37 (hg19) VCF-style: chr7-151932906-G-C.
Other names: short protein forms P922R.
Identifiers: ClinVar variation 1522455 (VCV001522455.8), dbSNP rs926439234, ClinGen allele CA370112322.

ClinVar aggregate classification (germline): Uncertain significance (1 of 4 stars; one submission).

Allele frequency attached by ClinVar (database versions not stated): gnomAD exomes below 0.00001.

Submission:

Labcorp Genetics (formerly Invitae), Labcorp
Classification: Uncertain significance. Last evaluated: 2021-04-02. Review status: criteria provided, single submitter. Criteria: Invitae Variant Classification Sherloc (09022015). Collection method: clinical testing. Allele origin: germline.
Comment: In summary, the available evidence is currently insufficient to determine the role of this variant in disease. Therefore, it has been classified as a Variant of Uncertain Significance. Algorithms developed to predict the effect of missense changes on protein structure and function are either unavailable or do not agree on the potential impact of this missense change (SIFT: "Deleterious"; PolyPhen-2: "Possibly Damaging"; Align-GVGD: "Class C0"). This variant has not been reported in the literature in individuals with KMT2C-related conditions. This variant is not present in population databases (ExAC no frequency). This sequence change replaces proline with arginine at codon 922 of the KMT2C protein (p.Pro922Arg). The proline residue is highly conserved and there is a moderate physicochemical difference between proline and arginine.